The following is an entry in ClinVar:

ClinVar aggregate classification (germline): Likely pathogenic (1 of 4 stars; one submission).

Allele frequency attached by ClinVar (database versions not stated): gnomAD 0.00001; gnomAD exomes below 0.00001; TOPMed below 0.00001.
gnomAD v4.1: 3 of 1,551,056 alleles (0.00019%); highest among the groups gnomAD compares: Non-Finnish European, 0.00026%; no homozygotes.

Submission:

Labcorp Genetics (formerly Invitae), Labcorp
Classification: Likely pathogenic. Last evaluated: 2025-11-05. Review status: criteria provided, single submitter. Criteria: Invitae Variant Classification Sherloc (09022015). Collection method: clinical testing. Allele origin: germline.
Comment: This sequence change replaces glycine, which is neutral and non-polar, with glutamic acid, which is acidic and polar, at codon 198 of the LOXHD1 protein (p.Gly198Glu). This variant is not present in population databases (gnomAD no frequency). This missense change has been observed in individual(s) with clinical features of LOXHD1 associated conditions and/or deafness (internal data). In at least one individual the data is consistent with being in trans (on the opposite chromosome) from a pathogenic variant. ClinVar contains an entry for this variant (Variation ID: 2964598). An algorithm developed to predict the effect of missense changes on protein structure and function (PolyPhen-2) suggests that this variant is likely to be disruptive. In summary, the currently available evidence indicates that the variant is pathogenic, but additional data are needed to prove that conclusively. Therefore, this variant has been classified as Likely Pathogenic.

NM_001384474.1(LOXHD1):c.593G>A (p.Gly198Glu)

Gene: LOXHD1 (lipoxygenase homology PLAT domains 1; minus strand). Cytogenetic location: 18q21.1.
Variant type: single nucleotide variant.
Coding change: c.593G>A on transcript NM_001384474.1 (MANE Select); coding-DNA position 593, G replaced by A.
Protein change: p.Gly198Glu; replaces glycine 198 with glutamic acid.
Molecular consequence: missense variant.
Genome position (GRCh38, 1-based): chr18:46,618,209, C>T on the plus strand (G>A on the coding strand, the complement: LOXHD1 is on the minus strand). VCF-style: chr18-46618209-C-T. GRCh37 (hg19) VCF-style: chr18-44198172-C-T.
Other names: c.593G>A, p.Gly198Glu (NM_144612.7); short protein forms G198E.
Identifiers: ClinVar variation 2964598 (VCV002964598.3), dbSNP rs2038616626, ClinGen allele CA402367302.